The following is an entry in ClinVar:

NM_006267.5(RANBP2):c.7451A>G (p.Gln2484Arg)

Gene: RANBP2 (RAN binding protein 2; plus strand). Cytogenetic location: 2q13.
Variant type: single nucleotide variant.
Coding change: c.7451A>G on transcript NM_006267.5 (MANE Select); coding-DNA position 7451, A replaced by G.
Protein change: p.Gln2484Arg; replaces glutamine 2484 with arginine.
Molecular consequence: missense variant.
Genome position (GRCh38, 1-based): chr2:108,767,990, A>G. VCF-style: chr2-108767990-A-G. GRCh37 (hg19) VCF-style: chr2-109384446-A-G.
Other names: c.7451A>G, p.Gln2484Arg (NM_001415871.1, NM_001415873.1); c.7448A>G, p.Gln2483Arg (NM_001415872.1); short protein forms Q2483R, Q2484R.
Identifiers: ClinVar variation 3375189 (VCV003375189.1).

ClinVar aggregate classification (germline): Uncertain significance (1 of 4 stars; one submission).

Submission:

Women's Health and Genetics/Laboratory Corporation of America, LabCorp
Classification: Uncertain significance. Last evaluated: 2024-09-26. Review status: criteria provided, single submitter. Criteria: LabCorp Variant Classification Summary - May 2015. Collection method: clinical testing. Allele origin: germline.
Comment: Variant summary: RANBP2 c.7451A>G (p.Gln2484Arg) results in a conservative amino acid change in the encoded protein sequence. Five of five in-silico tools predict a benign effect of the variant on protein function. The variant was absent in 250844 control chromosomes. The available data on variant occurrences in the general population are insufficient to allow any conclusion about variant significance. To our knowledge, no occurrence of c.7451A>G in individuals affected with Familial Acute Necrotizing Encephalopathy and no experimental evidence demonstrating its impact on protein function have been reported. No submitters have cited clinical-significance assessments for this variant to ClinVar. Based on the evidence outlined above, the variant was classified as uncertain significance.